The following is an entry in ClinVar:

ClinVar aggregate classification (germline): Likely benign. Review status: criteria provided, multiple submitters, no conflicts (2 of 4 stars). 4 submissions from 4 submitters: Likely benign (3). 1 of the submissions does not count toward it. Last evaluated 2022-05-01.

Conditions:
KRT6C-related disorder. Also called: KRT6C-related condition.

Allele frequency attached by ClinVar (database versions not stated): gnomAD exomes 0.00008 and 0.00011; ExAC 0.00009; 1000 Genomes Project 30x 0.00016; gnomAD 0.00022 and 0.00024; TOPMed 0.00025.
gnomAD v4.1: 199 of 1,613,752 alleles (0.012%); highest among the groups gnomAD compares: Middle Eastern, 0.033%; no homozygotes.

Submissions (4):

CeGaT Center for Human Genetics Tuebingen
Classification: Likely benign. Last evaluated: 2022-05-01. Review status: criteria provided, single submitter. Criteria: CeGaT Center For Human Genetics Tuebingen Variant Classification Criteria Version 2. Collection method: clinical testing. Allele origin: germline. Affected: yes. Observed: 1 variant allele.
Comment: KRT6C: BP4, BP7

Labcorp Genetics (formerly Invitae), Labcorp
Classification: Likely benign. Last evaluated: 2018-03-29. Review status: criteria provided, single submitter. Criteria: Invitae Variant Classification Sherloc (09022015). Collection method: clinical testing. Allele origin: germline.

Breakthrough Genomics
Classification: Likely benign. Review status: criteria provided, single submitter. Criteria: ACMG Guidelines, 2015. Collection method: not provided. Allele origin: germline. Inheritance: Autosomal dominant inheritance. Affected: yes.

PreventionGenetics, part of Exact Sciences
Classification: Likely benign for KRT6C-related condition. Last evaluated: 2019-09-10. Review status: no assertion criteria provided. Collection method: clinical testing. Allele origin: germline. Not counted in ClinVar's aggregate classification.
Comment: This variant is classified as likely benign based on ACMG/AMP sequence variant interpretation guidelines (Richards et al. 2015 PMID: 25741868, with internal and published modifications).

NM_173086.5(KRT6C):c.879T>C (p.Asp293=)

Gene: KRT6C (keratin 6C; minus strand). Cytogenetic location: 12q13.13.
Variant type: single nucleotide variant.
Coding change: c.879T>C on transcript NM_173086.5 (MANE Select); coding-DNA position 879, T replaced by C.
Protein change: p.Asp293=; no amino-acid change (aspartic acid 293 retained).
Molecular consequence: synonymous variant.
Genome position (GRCh38, 1-based): chr12:52,471,454, A>G on the plus strand (T>C on the coding strand, the complement: KRT6C is on the minus strand). VCF-style: chr12-52471454-A-G. GRCh37 (hg19) VCF-style: chr12-52865238-A-G.
Identifiers: ClinVar variation 717355 (VCV000717355.29), dbSNP rs775325576, ClinGen allele CA6581364.